The following is an entry in ClinVar:

NM_025074.7(FRAS1):c.6880G>C (p.Val2294Leu)

Gene: FRAS1 (Fraser extracellular matrix complex subunit 1; plus strand). Cytogenetic location: 4q21.21.
Variant type: single nucleotide variant.
Coding change: c.6880G>C on transcript NM_025074.7 (MANE Select); coding-DNA position 6880, G replaced by C.
Protein change: p.Val2294Leu; replaces valine 2294 with leucine.
Molecular consequence: missense variant.
Genome position (GRCh38, 1-based): chr4:78,464,137, G>C. VCF-style: chr4-78464137-G-C. GRCh37 (hg19) VCF-style: chr4-79385291-G-C.
Other names: short protein forms V2294L.
Identifiers: ClinVar variation 2500551 (VCV002500551.1), dbSNP rs748869786, ClinGen allele CA357401596.

ClinVar aggregate classification (germline): Uncertain significance (1 of 4 stars; one submission).

Submission:

GeneDx
Classification: Uncertain significance. Last evaluated: 2022-10-27. Review status: criteria provided, single submitter. Criteria: GeneDx Variant Classification Process June 2021. Collection method: clinical testing. Allele origin: germline. Affected: yes.
Comment: Not observed at significant frequency in large population cohorts (gnomAD); In silico analysis supports that this missense variant does not alter protein structure/function; Has not been previously published as pathogenic or benign to our knowledge